The following is an entry in ClinVar:

NM_006662.3(SRCAP):c.5446C>T (p.Pro1816Ser)

Gene: SRCAP (Snf2 related CREBBP activator protein; plus strand). Cytogenetic location: 16p11.2.
Variant type: single nucleotide variant.
Coding change: c.5446C>T on transcript NM_006662.3 (MANE Select); coding-DNA position 5446, C replaced by T.
Protein change: p.Pro1816Ser; replaces proline 1816 with serine.
Molecular consequence: missense variant.
Genome position (GRCh38, 1-based): chr16:30,724,870, C>T. VCF-style: chr16-30724870-C-T. GRCh37 (hg19) VCF-style: chr16-30736191-C-T.
Other names: short protein forms P1816S.
Identifiers: ClinVar variation 3641762 (VCV003641762.2).

ClinVar aggregate classification (germline): Uncertain significance (1 of 4 stars; one submission).

Submission:

Labcorp Genetics (formerly Invitae), Labcorp
Classification: Uncertain significance. Last evaluated: 2024-02-24. Review status: criteria provided, single submitter. Criteria: Invitae Variant Classification Sherloc (09022015). Collection method: clinical testing. Allele origin: germline.
Comment: This sequence change replaces proline, which is neutral and non-polar, with serine, which is neutral and polar, at codon 1816 of the SRCAP protein (p.Pro1816Ser). This variant is not present in population databases (gnomAD no frequency). This variant has not been reported in the literature in individuals affected with SRCAP-related conditions. Advanced modeling of protein sequence and biophysical properties (such as structural, functional, and spatial information, amino acid conservation, physicochemical variation, residue mobility, and thermodynamic stability) performed at Invitae indicates that this missense variant is not expected to disrupt SRCAP protein function with a negative predictive value of 80%. In summary, the available evidence is currently insufficient to determine the role of this variant in disease. Therefore, it has been classified as a Variant of Uncertain Significance.